The following is an entry in ClinVar:

ClinVar aggregate classification (germline): Uncertain significance (1 of 4 stars; one submission).

Submission:

GeneDx
Classification: Uncertain significance. Last evaluated: 2023-05-23. Review status: criteria provided, single submitter. Criteria: GeneDx Variant Classification Process June 2021. Collection method: clinical testing. Allele origin: germline. Affected: yes.
Comment: Not observed at significant frequency in large population cohorts (gnomAD); In silico analysis supports that this missense variant has a deleterious effect on protein structure/function; Has not been previously published as pathogenic or benign to our knowledge; This variant is associated with the following publications: (PMID: 28393830)

NM_015450.3(POT1):c.130T>C (p.Cys44Arg)

Gene: POT1 (protection of telomeres 1; minus strand). Cytogenetic location: 7q31.33.
Variant type: single nucleotide variant.
Coding change: c.130T>C on transcript NM_015450.3 (MANE Select); coding-DNA position 130, T replaced by C.
Protein change: p.Cys44Arg; replaces cysteine 44 with arginine.
Molecular consequence: missense variant. On other transcripts: non-coding transcript variant (3), intron variant (1).
Genome position (GRCh38, 1-based): chr7:124,871,036, A>G on the plus strand (T>C on the coding strand, the complement: POT1 is on the minus strand). VCF-style: chr7-124871036-A-G. GRCh37 (hg19) VCF-style: chr7-124511090-A-G.
Other names: c.-138-7396T>C (NM_001042594.2); short protein forms C44R.
Identifiers: ClinVar variation 3343697 (VCV003343697.1).